The following is an entry in ClinVar:

NM_001267550.2(TTN):c.10088G>A (p.Arg3363His)

Gene: TTN (titin; minus strand). Cytogenetic location: 2q31.2.
Variant type: single nucleotide variant.
Coding change: c.10088G>A on transcript NM_001267550.2 (MANE Select); coding-DNA position 10088, G replaced by A.
Protein change: p.Arg3363His; replaces arginine 3363 with histidine.
Molecular consequence: missense variant.
Genome position (GRCh38, 1-based): chr2:178,764,203, C>T on the plus strand (G>A on the coding strand, the complement: TTN is on the minus strand). VCF-style: chr2-178764203-C-T. GRCh37 (hg19) VCF-style: chr2-179628930-C-T.
Other names: p.R3363H:CGT>CAT; c.10088G>A, p.Arg3363His (NM_001256850.1, NM_133378.4, NM_133379.5); c.9950G>A, p.Arg3317His (NM_003319.4, NM_133432.3, NM_133437.4); short protein forms R3363H, R3317H.
Identifiers: ClinVar variation 46577 (VCV000046577.36), dbSNP rs148169214, ClinGen allele CA138655.

ClinVar aggregate classification (germline): Conflicting classifications of pathogenicity. Review status: criteria provided, conflicting classifications (1 of 4 stars). 18 submissions from 14 submitters: Uncertain significance (4); Benign (2); Likely benign (10). 2 of the submissions do not count toward it. Last evaluated 2026-02-04.

Conditions:
TTN-related disorder. Also called: TTN-related condition; TTN-related disease; TTN-related disorders.
Cardiovascular phenotype. Identifiers: MedGen CN230736.
Autosomal recessive limb-girdle muscular dystrophy type 2J (LGMDR10). Also called: Limb-girdle muscular dystrophy, type 2J; MUSCULAR DYSTROPHY, LIMB-GIRDLE, AUTOSOMAL RECESSIVE 10. Identifiers: Orphanet 140922, MedGen C1837342, MONDO:0012127, OMIM 608807.
Dilated cardiomyopathy 1G (CMD1G). Identifiers: Orphanet 154, MedGen C1858763, MONDO:0011400, OMIM 604145.
Early-onset myopathy with fatal cardiomyopathy (CMYO5). Also called: Salih Myopathy; CONGENITAL MYOPATHY 5 WITH CARDIOMYOPATHY. Identifiers: Orphanet 289377, MedGen C2673677, MONDO:0012714, OMIM 611705. Disease mechanism: loss of function.
Myopathy, myofibrillar, 9, with early respiratory failure (MFM9). Also called: Hereditary myopathy with early respiratory failure; EDSTROM MYOPATHY; MYOPATHY, PROXIMAL, WITH EARLY RESPIRATORY MUSCLE INVOLVEMENT; Myopathy, distal, with early respiratory failure, autosomal dominant. Identifiers: Orphanet 178464, Orphanet 34521, MedGen C1863599, MONDO:0011362, OMIM 603689.
Tibial muscular dystrophy (TMD). Also called: Tibial muscular dystrophy, tardive; UDD MYOPATHY; Udd Distal Myopathy – Tibial Muscular Dystrophy. Identifiers: Orphanet 609, MedGen C1838244, MONDO:0010870, OMIM 600334.

Allele frequency attached by ClinVar (database versions not stated): gnomAD exomes 0.00009 and 0.00019; ExAC 0.00023; ESP Exome Variant Server 0.00069; gnomAD 0.00075 and 0.00077; TOPMed 0.00079; 1000 Genomes Project 0.00080; 1000 Genomes Project 30x 0.00125.
gnomAD v4.1: 246 of 1,614,058 alleles (0.015%); highest among the groups gnomAD compares: African/African-American, 0.25%; 1 homozygote.

Submissions (18):

Labcorp Genetics (formerly Invitae), Labcorp
Classification: Likely benign for Dilated cardiomyopathy 1G; Autosomal recessive limb-girdle muscular dystrophy type 2J. Last evaluated: 2026-02-04. Review status: criteria provided, single submitter. Criteria: Invitae Variant Classification Sherloc (09022015). Collection method: clinical testing. Allele origin: germline.

Women's Health and Genetics/Laboratory Corporation of America, LabCorp
Classification: Likely benign. Last evaluated: 2025-02-10. Review status: criteria provided, single submitter. Criteria: LabCorp Variant Classification Summary - May 2015. Collection method: clinical testing. Allele origin: germline.
Comment: Variant summary: TTN c.10088G>A (p.Arg3363His) results in a non-conservative amino acid change in the encoded protein sequence. Three of five in-silico tools predict a benign effect of the variant on protein function. The variant allele was found at a frequency of 0.00019 in 251304 control chromosomes, predominantly at a frequency of 0.002 within the African or African-American subpopulation in the gnomAD database. The observed variant frequency within African or African-American control individuals in the gnomAD database is approximately 5-fold of the estimated maximal expected allele frequency for a pathogenic variant in TTN causing Dilated Cardiomyopathy phenotype (0.00039). To our knowledge, no occurrence of c.10088G>A in individuals affected with Dilated Cardiomyopathy and no experimental evidence demonstrating its impact on protein function have been reported. ClinVar contains an entry for this variant (Variation ID: 46577). Based on the evidence outlined above, the variant was classified as likely benign.

PreventionGenetics, part of Exact Sciences
Classification: Likely benign for TTN-related condition. Last evaluated: 2025-01-07. Review status: criteria provided, single submitter. Criteria: ACMG Guidelines, 2015. Collection method: clinical testing. Allele origin: germline.
Comment: This variant is classified as likely benign based on ACMG/AMP sequence variant interpretation guidelines (Richards et al. 2015 PMID: 25741868, with internal and published modifications).

ARUP Laboratories, Molecular Genetics and Genomics, ARUP Laboratories
Classification: Likely benign. Last evaluated: 2023-12-14. Review status: criteria provided, single submitter. Criteria: ARUP Molecular Germline Variant Investigation Process 2024. Collection method: clinical testing. Allele origin: germline.

GeneDx
Classification: Likely benign. Last evaluated: 2020-10-08. Review status: criteria provided, single submitter. Criteria: GeneDx Variant Classification Process June 2021. Collection method: clinical testing. Allele origin: germline. Affected: yes.
Comment: This variant is associated with the following publications: (PMID: 23861362)

Blueprint Genetics
Classification: Likely benign. Last evaluated: 2019-12-16. Review status: criteria provided, single submitter. Criteria: ACMG Guidelines, 2015. Collection method: clinical testing. Allele origin: germline.

Ambry Genetics
Classification: Likely benign for Cardiovascular phenotype. Last evaluated: 2018-10-31. Review status: criteria provided, single submitter. Criteria: Ambry Variant Classification Scheme 2023. Collection method: clinical testing. Allele origin: germline.

Illumina Laboratory Services, Illumina
Classification: Benign for Myopathy, myofibrillar, 9, with early respiratory failure. Last evaluated: 2017-06-15. Review status: criteria provided, single submitter. Criteria: ICSL Variant Classification Criteria 13 December 2019. Collection method: clinical testing. Allele origin: germline.
Comment: This variant was observed as part of a predisposition screen in an ostensibly healthy population. A literature search was performed for the gene, cDNA change, and amino acid change (where applicable). No publications were found based on this search. Allele frequency data from public databases was too high to be consistent with this variant causing disease. Therefore, this variant is classified as benign.

Illumina Laboratory Services, Illumina
Classification: Benign for Tibial muscular dystrophy. Last evaluated: 2017-06-15. Review status: criteria provided, single submitter. Criteria: ICSL Variant Classification Criteria 13 December 2019. Collection method: clinical testing. Allele origin: germline.
Comment: the same text as in the submission from Illumina Laboratory Services, Illumina above.

Illumina Laboratory Services, Illumina
Classification: Uncertain significance for Dilated cardiomyopathy 1G. Last evaluated: 2017-04-27. Review status: criteria provided, single submitter. Criteria: ICSL Variant Classification Criteria 13 December 2019. Collection method: clinical testing. Allele origin: germline.

Illumina Laboratory Services, Illumina
Classification: Uncertain significance for Early-onset myopathy with fatal cardiomyopathy. Last evaluated: 2017-04-27. Review status: criteria provided, single submitter. Criteria: ICSL Variant Classification Criteria 13 December 2019. Collection method: clinical testing. Allele origin: germline.

Illumina Laboratory Services, Illumina
Classification: Uncertain significance for Autosomal recessive limb-girdle muscular dystrophy type 2J. Last evaluated: 2017-04-27. Review status: criteria provided, single submitter. Criteria: ICSL Variant Classification Criteria 13 December 2019. Collection method: clinical testing. Allele origin: germline.

Eurofins Ntd Llc (ga)
Classification: Likely benign. Last evaluated: 2017-03-07. Review status: criteria provided, single submitter. Criteria: EGL Classification Definitions 2015. Collection method: clinical testing. Allele origin: germline. Observed: 1 variant allele, 1 heterozygote.

Center for Pediatric Genomic Medicine, Children's Mercy Hospital and Clinics
Classification: Uncertain significance. Last evaluated: 2016-04-08. Review status: criteria provided, single submitter. Criteria: ACMG Guidelines, 2015. Collection method: clinical testing. Allele origin: germline.
ClinVar note: Converted during submission from Uncertain Significance to Uncertain significance.

Biesecker Lab/Clinical Genomics Section, National Institutes of Health
Classification: Likely benign. Last evaluated: 2013-06-24. Review status: criteria provided, single submitter. Criteria: Ng et al. (Circ Cardiovasc Genet. 2013). Collection method: research. Allele origin: unknown. Observed: 2 variant alleles. Study: ClinSeq.
Comment: The study set was not selected for affection status in relation to any cancer. Pathogenicity categories were based on literature curation. See Pubmed ID:23861362 for details.

Medical sequencing

Laboratory for Molecular Medicine, Mass General Brigham Personalized Medicine
Classification: Likely benign. Last evaluated: 2012-12-18. Review status: criteria provided, single submitter. Criteria: LMM Criteria. Collection method: clinical testing. Allele origin: germline. Observed: 2 variant alleles.
Comment: Arg3363His in exon 43 of TTN: This variant is not expected to have it clinical s ignificance because it has been identified in 0.2% (9/4406) of African American chromosomes from a broad population by the NHLBI Exome Sequencing Project (dbSNP rs148169214) and due to a lack of conservati on across species, including mammals. Several other mammals (alpaca, dolphin, an d cow) carry a histidine (His; this variant) at this position supporting that th is change may be tolerated. Arg3363His in exon 43 of TTN (rs148169214; allele f requency = 0.2%, 9/4406)

Clinical Genetics DNA and cytogenetics Diagnostics Lab, Erasmus MC, Erasmus Medical Center
Classification: Likely benign. Review status: no assertion criteria provided. Collection method: clinical testing. Allele origin: germline. Affected: yes. Study: VKGL Data-share Consensus. Not counted in ClinVar's aggregate classification.

Clinical Genetics, Academic Medical Center
Classification: Benign. Review status: no assertion criteria provided. Collection method: clinical testing. Allele origin: germline. Affected: yes. Study: VKGL Data-share Consensus. Not counted in ClinVar's aggregate classification.